The following is an entry in ClinVar:

ClinVar aggregate classification (germline): Pathogenic. Review status: criteria provided, single submitter (1 of 4 stars). 2 submissions from 2 submitters: Pathogenic (1). 1 of the submissions does not count toward it. Last evaluated 2022-10-07.

Conditions:
Intellectual developmental disorder, X-linked 30. Also called: MENTAL RETARDATION, X-LINKED 47; Intellectual disability, X-linked 30. Identifiers: Orphanet 777, MedGen C0796237, MONDO:0010361, OMIM 300558.

Submissions (2):

GeneDx
Classification: Pathogenic. Last evaluated: 2022-10-07. Review status: criteria provided, single submitter. Criteria: GeneDx Variant Classification Process June 2021. Collection method: clinical testing. Allele origin: germline. Affected: yes.
Comment: Published functional studies demonstrate a damaging effect as A365E showed complete loss of kinase activity and protein instability (Kreis et al., 2007; Duarte et al., 2020); Not observed at significant frequency in large population cohorts (gnomAD); In silico analysis supports that this missense variant has a deleterious effect on protein structure/function; This variant is associated with the following publications: (PMID: 31843706, 24556213, 12884430, 17537723)

OMIM
Classification: Pathogenic for INTELLECTUAL DEVELOPMENTAL DISORDER, X-LINKED 30. Last evaluated: 2003-08-01. Review status: no assertion criteria provided. Collection method: literature only. Allele origin: germline. Not counted in ClinVar's aggregate classification.

Literature cited by the submitters: PubMed 12884430 (cited by OMIM).

NM_002578.5(PAK3):c.1094C>A (p.Ala365Glu)

Gene: PAK3 (p21 (RAC1) activated kinase 3; plus strand). Cytogenetic location: Xq23.
Variant type: single nucleotide variant.
Coding change: c.1094C>A on transcript NM_002578.5 (MANE Select); coding-DNA position 1094, C replaced by A.
Protein change: p.Ala365Glu; replaces alanine 365 with glutamic acid.
Molecular consequence: missense variant. On other transcripts: non-coding transcript variant (2).
Genome position (GRCh38, 1-based): chrX:111,194,402, C>A. VCF-style: chrX-111194402-C-A. GRCh37 (hg19) VCF-style: chrX-110437630-C-A.
Other names: c.1094C>A (NM_002578.3); c.1094C>A, p.Ala365Glu (NM_001128166.3, NM_001128167.3, NM_001324325.2 and 5 more transcripts); c.1202C>A, p.Ala401Glu (NM_001128168.3); c.1157C>A, p.Ala386Glu (NM_001128172.2); c.1139C>A, p.Ala380Glu (NM_001128173.3, NM_001324327.2, NM_001324328.2 and 2 more transcripts); short protein forms A365E, A386E, A401E, A380E.
Identifiers: ClinVar variation 11570 (VCV000011570.3), dbSNP rs121434613, ClinGen allele CA121583.